The following is an entry in ClinVar:

ClinVar aggregate classification (germline): Uncertain significance. Review status: criteria provided, multiple submitters, no conflicts (2 of 4 stars). 2 submissions from 2 submitters: Uncertain significance (2). Last evaluated 2025-12-04.

Conditions:
Inborn genetic diseases. Identifiers: MedGen C0950123, MeSH D030342.

Allele frequency attached by ClinVar (database versions not stated): gnomAD 0.00003; TOPMed 0.00008; gnomAD exomes below 0.00001.
gnomAD v4.1: 10 of 1,614,126 alleles (0.00062%); highest among the groups gnomAD compares: Admixed American, 0.012%; no homozygotes.

Submissions (2):

Ambry Genetics
Classification: Uncertain significance for Inborn genetic diseases. Last evaluated: 2025-12-04. Review status: criteria provided, single submitter. Criteria: Ambry Variant Classification Scheme 2023. Collection method: clinical testing. Allele origin: germline.

Women's Health and Genetics/Laboratory Corporation of America, LabCorp
Classification: Uncertain significance. Last evaluated: 2025-07-14. Review status: criteria provided, single submitter. Criteria: LabCorp Variant Classification Summary - May 2015. Collection method: clinical testing. Allele origin: germline.
Comment: Variant summary: JARID2 c.793G>C (p.Ala265Pro) results in a non-conservative amino acid change in the encoded protein sequence. Algorithms developed to predict the effect of missense changes on protein structure and function are either unavailable or do not agree on the potential impact of this missense change. The variant allele was found at a frequency of 4e-06 in 251328 control chromosomes. The available data on variant occurrences in the general population are insufficient to allow any conclusion about variant significance. To our knowledge, no occurrence of c.793G>C in individuals affected with Developmental Delay With Variable Intellectual Disability And Dysmorphic Facies and no experimental evidence demonstrating its impact on protein function have been reported. ClinVar contains an entry for this variant (Variation ID: 3112228). Based on the evidence outlined above, the variant was classified as uncertain significance.

NM_004973.4(JARID2):c.793G>C (p.Ala265Pro)

Gene: JARID2 (jumonji and AT-rich interaction domain containing 2; plus strand). Cytogenetic location: 6p22.3.
Variant type: single nucleotide variant.
Coding change: c.793G>C on transcript NM_004973.4 (MANE Select); coding-DNA position 793, G replaced by C.
Protein change: p.Ala265Pro; replaces alanine 265 with proline.
Molecular consequence: missense variant.
Genome position (GRCh38, 1-based): chr6:15,487,429, G>C. VCF-style: chr6-15487429-G-C. GRCh37 (hg19) VCF-style: chr6-15487660-G-C.
Other names: c.277G>C, p.Ala93Pro (NM_001267040.1); short protein forms A265P, A93P.
Identifiers: ClinVar variation 3112228 (VCV003112228.3), dbSNP rs768346575, ClinGen allele CA134799619.